The following is an entry in ClinVar:

ClinVar aggregate classification (germline): Uncertain significance (1 of 4 stars; one submission).

Conditions:
Colorectal cancer, susceptibility to, 12 (CRCS12). Also called: COLORECTAL CANCER, SUSCEPTIBILITY TO, ON CHROMOSOME 12q24. Identifiers: Orphanet 220460, MedGen C3554460, MONDO:0014038, OMIM 615083.

Submission:

Labcorp Genetics (formerly Invitae), Labcorp
Classification: Uncertain significance for Colorectal cancer, susceptibility to, 12. Last evaluated: 2021-08-14. Review status: criteria provided, single submitter. Criteria: Invitae Variant Classification Sherloc (09022015). Collection method: clinical testing. Allele origin: germline.
Comment: This sequence change replaces valine with leucine at codon 1368 of the POLE protein (p.Val1368Leu). The valine residue is highly conserved and there is a small physicochemical difference between valine and leucine. This variant is not present in population databases (ExAC no frequency). This variant has not been reported in the literature in individuals affected with POLE-related conditions. Algorithms developed to predict the effect of missense changes on protein structure and function (SIFT, PolyPhen-2, Align-GVGD) all suggest that this variant is likely to be tolerated. In summary, the available evidence is currently insufficient to determine the role of this variant in disease. Therefore, it has been classified as a Variant of Uncertain Significance.

NM_006231.4(POLE):c.4102G>C (p.Val1368Leu)

Gene: POLE (DNA polymerase epsilon, catalytic subunit; minus strand). Cytogenetic location: 12q24.33.
Variant type: single nucleotide variant.
Coding change: c.4102G>C on transcript NM_006231.4 (MANE Select); coding-DNA position 4102, G replaced by C.
Protein change: p.Val1368Leu; replaces valine 1368 with leucine.
Molecular consequence: missense variant.
Genome position (GRCh38, 1-based): chr12:132,648,976, C>G on the plus strand (G>C on the coding strand, the complement: POLE is on the minus strand). VCF-style: chr12-132648976-C-G. GRCh37 (hg19) VCF-style: chr12-133225562-C-G.
Other names: short protein forms V1368L.
Identifiers: ClinVar variation 1460934 (VCV001460934.5), dbSNP rs770558983, ClinGen allele CA387383718.